The following is an entry in ClinVar:

ClinVar aggregate classification (germline): Likely benign (1 of 4 stars; one submission).

Conditions:
Atypical hemolytic-uremic syndrome. Identifiers: Orphanet 2134, MedGen C2931788, MONDO:0016244.

gnomAD v4.1: 2 of 1,609,504 alleles (0.00012%); highest among the groups gnomAD compares: South Asian, 0.0022%; no homozygotes.

Submission:

Genomenon, Inc
Classification: Likely benign for Atypical hemolytic-uremic syndrome. Last evaluated: 2026-09-17. Review status: criteria provided, single submitter. Criteria: Genomenon Sequence Variant Interpretation Standards - Updated. Collection method: curation. Allele origin: germline. Affected: yes.
Comment: CFH c.1336+11012A>G is an intronic variant located in intron 9. This variant has been observed in at least one proband affected with atypical hemolytic-uremic syndrome (PMID: 28939980). It is absent or not present at a significant frequency in gnomAD. This variant is not predicted to impact splicing. In conclusion, we classify CFH c.1336+11012A>G as a likely benign variant.

Literature cited by the submitters: PubMed 28939980.

NM_000186.4(CFH):c.1336+11012A>G

Gene: CFH (complement factor H; plus strand). Cytogenetic location: 1q31.3.
Variant type: single nucleotide variant.
Coding change: c.1336+11012A>G on transcript NM_000186.4 (MANE Select); 11012 bases into the intron after coding-DNA position 1336, A replaced by G.
Molecular consequence: intron variant.
Genome position (GRCh38, 1-based): chr1:196,701,251, A>G. VCF-style: chr1-196701251-A-G. GRCh37 (hg19) VCF-style: chr1-196670381-A-G.
Other names: c.1337-67A>G (NM_001014975.3).
Identifiers: ClinVar variation 4291384 (VCV004291384.2).